The following is an entry in ClinVar:

NM_015001.3(SPEN):c.922C>T (p.Arg308Ter)

Gene: SPEN (spen family transcriptional repressor; plus strand). Cytogenetic location: 1p36.13.
Variant type: single nucleotide variant.
Coding change: c.922C>T on transcript NM_015001.3 (MANE Select); coding-DNA position 922, C replaced by T.
Protein change: p.Arg308Ter; replaces arginine 308 with a stop codon.
Molecular consequence: nonsense.
Genome position (GRCh38, 1-based): chr1:15,909,361, C>T. VCF-style: chr1-15909361-C-T. GRCh37 (hg19) VCF-style: chr1-16235856-C-T.
Other names: short protein forms R308*.
Identifiers: ClinVar variation 1805886 (VCV001805886.3), dbSNP rs772105874, ClinGen allele CA338610329.
Genomic context (GRCh38, chr1:15,909,361, plus strand): 5'-TTGTTGTTGCCTTTTTGCAGCAGTGATTCCAGCAGTAGTTCAAGTGATGATTCTCCAGCT[C>T]GATCAGTTCAGTCTGCAGCAGTCCCTGCACCCACTTCCCAGTTGCTTTCATCTCTGGAAA-3'

ClinVar aggregate classification (germline): Pathogenic. Review status: criteria provided, multiple submitters, no conflicts (2 of 4 stars). 2 submissions from 2 submitters: Pathogenic (2). Last evaluated 2025-03-21.

Conditions:
Radio-Tartaglia syndrome. Identifiers: Orphanet 662234, MedGen C5543339, MONDO:0859143, OMIM 619312.

Submissions (2):

GeneDx
Classification: Pathogenic. Last evaluated: 2025-03-21. Review status: criteria provided, single submitter. Criteria: GeneDx Variant Classification Process June 2021. Collection method: clinical testing. Allele origin: germline. Affected: yes.
Comment: Nonsense variant predicted to result in protein truncation or nonsense mediated decay in a gene for which loss of function is a known mechanism of disease; Not observed at significant frequency in large population cohorts (gnomAD); Has not been previously published as pathogenic or benign to our knowledge

Victorian Clinical Genetics Services, Murdoch Childrens Research Institute
Classification: Pathogenic for Radio-Tartaglia syndrome. Last evaluated: 2023-07-16. Review status: criteria provided, single submitter. Criteria: ACMG Guidelines, 2015. Collection method: clinical testing. Allele origin: germline. Inheritance: Autosomal dominant inheritance. Affected: yes.
Comment: Based on the classification scheme VCGS_Germline_v1.3.4, this variant is classified as Pathogenic. Following criteria are met: 0102 - Loss of function is a known mechanism of disease in this gene and is associated with Radio-Tartaglia syndrome (MIM#619312). (I) 0107 - This gene is associated with autosomal dominant disease. (I) 0115 - Variants in this gene are known to have variable expressivity (OMIM). (I) 0201 - Variant is predicted to cause nonsense-mediated decay (NMD) and loss of protein (premature termination codon is located at least 54 nucleotides upstream of the final exon-exon junction). (SP) 0251 - This variant is heterozygous. (I) 0301 - Variant is absent from gnomAD (both v2 and v3). (SP) 0701 - Other NMD predicted variants comparable to the one identified in this case have very strong previous evidence for pathogenicity (ClinVar). (SP) 0807 - This variant has no previous evidence of pathogenicity. (I) 0905 - No published segregation evidence has been identified for this variant. (I) 1007 - No published functional evidence has been identified for this variant. (I) 1208 - Inheritance information for this variant is not currently available in this individual. (I) Legend: (SP) - Supporting pathogenic, (I) - Information, (SB) - Supporting benign